The following is an entry in ClinVar:

NM_032387.5(WNK4):c.587C>A (p.Thr196Asn)

Gene: WNK4 (WNK lysine deficient protein kinase 4; plus strand). Cytogenetic location: 17q21.2.
Variant type: single nucleotide variant.
Coding change: c.587C>A on transcript NM_032387.5 (MANE Select); coding-DNA position 587, C replaced by A.
Protein change: p.Thr196Asn; replaces threonine 196 with asparagine.
Molecular consequence: missense variant. On other transcripts: 5 prime UTR variant (1).
Genome position (GRCh38, 1-based): chr17:42,781,285, C>A. VCF-style: chr17-42781285-C-A. GRCh37 (hg19) VCF-style: chr17-40933303-C-A.
Other names: c.-333C>A (NM_001321299.2); short protein forms T196N.
Identifiers: ClinVar variation 1961866 (VCV001961866.6), dbSNP rs765055427, ClinGen allele CA8583703.

ClinVar aggregate classification (germline): Uncertain significance. Review status: criteria provided, multiple submitters, no conflicts (2 of 4 stars). 2 submissions from 2 submitters: Uncertain significance (2). Last evaluated 2024-03-28.

Conditions:
Pseudohypoaldosteronism type 2B (PHA2B). Also called: Pseudohypoaldosteronism Type IIB. Identifiers: Orphanet 757, Orphanet 88939, MedGen C1840390, MONDO:0013777, OMIM 614491.

Allele frequency attached by ClinVar (database versions not stated): gnomAD exomes below 0.00001; ExAC 0.00001; gnomAD 0.00001; TOPMed 0.00002.

Submissions (2):

Fulgent Genetics
Classification: Uncertain significance for Pseudohypoaldosteronism type 2B. Last evaluated: 2024-03-28. Review status: criteria provided, single submitter. Criteria: ACMG Guidelines, 2015. Collection method: clinical testing. Allele origin: germline.

Labcorp Genetics (formerly Invitae), Labcorp
Classification: Uncertain significance. Last evaluated: 2022-08-10. Review status: criteria provided, single submitter. Criteria: Invitae Variant Classification Sherloc (09022015). Collection method: clinical testing. Allele origin: germline.
Comment: In summary, the available evidence is currently insufficient to determine the role of this variant in disease. Therefore, it has been classified as a Variant of Uncertain Significance. Advanced modeling of protein sequence and biophysical properties (such as structural, functional, and spatial information, amino acid conservation, physicochemical variation, residue mobility, and thermodynamic stability) performed at Invitae indicates that this missense variant is not expected to disrupt WNK4 protein function. This variant has not been reported in the literature in individuals affected with WNK4-related conditions. This variant is present in population databases (rs765055427, gnomAD 0.006%). This sequence change replaces threonine, which is neutral and polar, with asparagine, which is neutral and polar, at codon 196 of the WNK4 protein (p.Thr196Asn).